The following is an entry in ClinVar:

NM_001035.3(RYR2):c.8696A>G (p.Asn2899Ser)

Gene: RYR2 (ryanodine receptor 2; plus strand). Cytogenetic location: 1q43.
Variant type: single nucleotide variant.
Coding change: c.8696A>G on transcript NM_001035.3 (MANE Select); coding-DNA position 8696, A replaced by G.
Protein change: p.Asn2899Ser; replaces asparagine 2899 with serine.
Molecular consequence: missense variant.
Genome position (GRCh38, 1-based): chr1:237,674,201, A>G. VCF-style: chr1-237674201-A-G. GRCh37 (hg19) VCF-style: chr1-237837501-A-G.
Other names: c.8696A>G, p.Asn2899Ser (LRG_402t1); short protein forms N2899S.
Identifiers: ClinVar variation 392320 (VCV000392320.9), dbSNP rs1057524444, ClinGen allele CA16603571.
Genomic context (GRCh38, chr1:237,674,201, plus strand): 5'-CCAAAGAGAAAGCCAAGGATAGAGAAAAAGCACAGGACATCCTCAAGTTCTTGCAGATCA[A>G]TGGATATGCTGTATCCAGGTAAAAGTACACATACCCTAAGTACACACTCTTTTCACAAGA-3'
Protein context (NP_001026.2, residues 2889-2909): AQDILKFLQI[Asn2899Ser]GYAVSRGFKD

ClinVar aggregate classification (germline): Conflicting classifications of pathogenicity. Review status: criteria provided, conflicting classifications (1 of 4 stars). 4 submissions from 4 submitters: Uncertain significance (2); Likely benign (2). Last evaluated 2024-09-04.

Conditions:
Catecholaminergic polymorphic ventricular tachycardia (CVPT). Also called: Catecholamine-induced polymorphic ventricular tachycardia. Identifiers: Orphanet 3286, MedGen C5574922, MONDO:0017990.
Catecholaminergic polymorphic ventricular tachycardia 1. Also called: RYR2-Related Catecholaminergic Polymorphic Ventricular Tachycardia; VENTRICULAR TACHYCARDIA, CATECHOLAMINERGIC POLYMORPHIC, 1, WITH OR WITHOUT ATRIAL DYSFUNCTION AND/OR DILATED CARDIOMYOPATHY; VENTRICULAR TACHYCARDIA, STRESS-INDUCED POLYMORPHIC 1. Identifiers: Orphanet 3286, MedGen C1631597, MONDO:0011484, OMIM 604772.
Cardiomyopathy (CMYO). Also called: Cardiomyopathies. Identifiers: Orphanet 167848, MedGen C0878544, MONDO:0004994, HP:0001638. Inheritance: Various modes of inheritance.

Allele frequency attached by ClinVar (database versions not stated): gnomAD exomes below 0.00001; TOPMed 0.00001; gnomAD 0.00002.
gnomAD v4.1: 5 of 1,612,046 alleles (0.00031%); highest among the groups gnomAD compares: African/African-American, 0.004%; no homozygotes.

Submissions (4):

Color Diagnostics, LLC DBA Color Health
Classification: Likely benign for Cardiomyopathy. Last evaluated: 2024-09-04. Review status: criteria provided, single submitter. Criteria: ACMG Guidelines, 2015. Collection method: clinical testing. Allele origin: germline.

All of Us Research Program, National Institutes of Health
Classification: Likely benign for Catecholaminergic polymorphic ventricular tachycardia. Last evaluated: 2023-11-20. Review status: criteria provided, single submitter. Criteria: ACMG Guidelines, 2015. Collection method: clinical testing. Allele origin: germline. Inheritance: Autosomal dominant inheritance. Observed: 1 variant allele, 1 heterozygote.
Comment: This study involves interpretation of variants in research participants for the purpose of population health screening. Participant phenotype was not available at the time of variant classification. Additional details can be found in publication PMID: 35346344, PMCID: PMC8962531

Labcorp Genetics (formerly Invitae), Labcorp
Classification: Uncertain significance for Catecholaminergic polymorphic ventricular tachycardia 1. Last evaluated: 2023-05-31. Review status: criteria provided, single submitter. Criteria: Invitae Variant Classification Sherloc (09022015). Collection method: clinical testing. Allele origin: germline.
Comment: Advanced modeling of protein sequence and biophysical properties (such as structural, functional, and spatial information, amino acid conservation, physicochemical variation, residue mobility, and thermodynamic stability) performed at Invitae indicates that this missense variant is not expected to disrupt RYR2 protein function. ClinVar contains an entry for this variant (Variation ID: 392320). This variant has not been reported in the literature in individuals affected with RYR2-related conditions. In summary, the available evidence is currently insufficient to determine the role of this variant in disease. Therefore, it has been classified as a Variant of Uncertain Significance. This sequence change replaces asparagine, which is neutral and polar, with serine, which is neutral and polar, at codon 2899 of the RYR2 protein (p.Asn2899Ser). This variant is not present in population databases (gnomAD no frequency).

GeneDx
Classification: Uncertain significance. Last evaluated: 2017-01-03. Review status: criteria provided, single submitter. Criteria: GeneDx Variant Classification (06012015). Collection method: clinical testing. Allele origin: germline. Affected: yes.
Comment: A variant of uncertain significance has been identified in the RYR2 gene. The N2899S variant has not been published as a pathogenic variant, nor has it been reported as a benign variant to our knowledge. The N2899S variant was not observed in approximately 6,100 individuals of European and African American ancestry in the NHLBI Exome Sequencing Project, indicating it is not a common benign variant in these populations. However, N2899S is a conservative amino acid substitution, which is not likely to impact secondary protein structure as these residues share similar properties. Additionally, this substitution occurs at a position where amino acids with similar properties to Asparagine are tolerated across species, and Serine is the wild-type residue at this position in multiple mammalian species. In silico analysis is inconsistent in its predictions as to whether or not the variant is damaging to the protein structure/function. Lastly, N2899S is not located in one of the three hot-spot regions of the RYR2 gene, where the majority of pathogenic missense variants occur (Medeiros-Domingo et al., 2009).